The following is an entry in ClinVar:

ClinVar aggregate classification (germline): Likely benign. Review status: criteria provided, multiple submitters, no conflicts (2 of 4 stars). 2 submissions from 2 submitters: Likely benign (2). Last evaluated 2026-07-01.

Allele frequency attached by ClinVar (database versions not stated): gnomAD exomes 0.00016 and 0.00017; ExAC 0.00018; gnomAD 0.00018 and 0.00020; TOPMed 0.00022; ESP Exome Variant Server 0.00023.
gnomAD v4.1: 277 of 1,613,988 alleles (0.017%); highest among the groups gnomAD compares: Non-Finnish European, 0.02%; no homozygotes.

Submissions (2):

CeGaT Center for Human Genetics Tuebingen
Classification: Likely benign. Last evaluated: 2026-07-01. Review status: criteria provided, single submitter. Criteria: CeGaT Center For Human Genetics Tuebingen Variant Classification Criteria Version 2. Collection method: clinical testing. Allele origin: germline. Affected: yes. Observed: 9 variant alleles.
Comment: PIGS: BP4, BP7

Blueprint Genetics
Classification: Likely benign. Last evaluated: 2024-09-17. Review status: criteria provided, single submitter. Criteria: ACMG Guidelines, 2015. Collection method: clinical testing. Allele origin: germline.

NM_033198.4(PIGS):c.1338G>A (p.Ala446=)

Gene: PIGS (phosphatidylinositol glycan anchor biosynthesis class S; minus strand). Cytogenetic location: 17q11.2.
Variant type: single nucleotide variant.
Coding change: c.1338G>A on transcript NM_033198.4 (MANE Select); coding-DNA position 1338, G replaced by A.
Protein change: p.Ala446=; no amino-acid change (alanine 446 retained).
Molecular consequence: synonymous variant.
Genome position (GRCh38, 1-based): chr17:28,554,905, C>T on the plus strand (G>A on the coding strand, the complement: PIGS is on the minus strand). VCF-style: chr17-28554905-C-T. GRCh37 (hg19) VCF-style: chr17-26881923-C-T.
Identifiers: ClinVar variation 1694837 (VCV001694837.32), dbSNP rs146249165, ClinGen allele CA8460014.